The following is an entry in ClinVar:

ClinVar aggregate classification (germline): Uncertain significance. Review status: criteria provided, multiple submitters, no conflicts (2 of 4 stars). 2 submissions from 2 submitters: Uncertain significance (2). Last evaluated 2026-01-29.

Conditions:
Cardiovascular phenotype. Identifiers: MedGen CN230736.
ZNF469-related disorder. Also called: ZNF469-related condition.

gnomAD v4.1: 11 of 1,550,224 alleles (0.00071%); highest among the groups gnomAD compares: Non-Finnish European, 0.00096%; no homozygotes.

Submissions (2):

PreventionGenetics, part of Exact Sciences
Classification: Uncertain significance for ZNF469-related condition. Last evaluated: 2026-01-29. Review status: criteria provided, single submitter. Criteria: ACMG Guidelines, 2015. Collection method: clinical testing. Allele origin: germline.
Comment: The ZNF469 c.6770C>T variant is predicted to result in the amino acid substitution p.Ala2257Val. To our knowledge, this variant has not been reported in the literature. This variant is reported in 0.0017% of alleles in individuals of European (Non-Finnish) descent in gnomAD. At this time, the clinical significance of this variant is uncertain due to the absence of conclusive functional and genetic evidence.

Ambry Genetics
Classification: Uncertain significance for Cardiovascular phenotype. Last evaluated: 2024-09-04. Review status: criteria provided, single submitter. Criteria: Ambry Variant Classification Scheme 2023. Collection method: clinical testing. Allele origin: germline.
Comment: The p.A2257V variant (also known as c.6770C>T), located in coding exon 2 of the ZNF469 gene, results from a C to T substitution at nucleotide position 6770. The alanine at codon 2257 is replaced by valine, an amino acid with similar properties. This amino acid position is conserved. In addition, this alteration is predicted to be tolerated by in silico analysis. Based on the available evidence, the clinical significance of this variant remains unclear.

NM_001367624.2(ZNF469):c.6854C>T (p.Ala2285Val)

Gene: ZNF469 (zinc finger protein 469; plus strand). Cytogenetic location: 16q24.2.
Variant type: single nucleotide variant.
Coding change: c.6854C>T on transcript NM_001367624.2 (MANE Select); coding-DNA position 6854, C replaced by T.
Protein change: p.Ala2285Val; replaces alanine 2285 with valine.
Molecular consequence: missense variant.
Genome position (GRCh38, 1-based): chr16:88,434,324, C>T. VCF-style: chr16-88434324-C-T. GRCh37 (hg19) VCF-style: chr16-88500732-C-T.
Other names: NM_001127464.1:c.6770C>T; NM_001127464.2:c.6770C>T; short protein forms A2285V.
Identifiers: ClinVar variation 3476203 (VCV003476203.2).
Genomic context (GRCh38, chr16:88,434,324, plus strand): 5'-CTGGCCGAGCCACCTCTCCTCCTCTGGCAGGGGCCGTCTCCCCCAGCGTGGCCGTCAGGG[C>T]TACTGGCCTGTCCAGCACTCCCACCGGAGATGAGGCACAGGCAGGCAGGGGACTCCCAGG-3'
Protein context (NP_001354553.1, residues 2275-2295): GAVSPSVAVR[Ala2285Val]TGLSSTPTGD